The following is an entry in ClinVar:

ClinVar aggregate classification (germline): Pathogenic (1 of 4 stars; one submission).

Conditions:
Primary ciliary dyskinesia. Also called: Ciliary dyskinesia. Identifiers: Orphanet 244, MedGen C0008780, MONDO:0016575, HP:0012265.

Submission:

Labcorp Genetics (formerly Invitae), Labcorp
Classification: Pathogenic for Primary ciliary dyskinesia. Last evaluated: 2022-01-28. Review status: criteria provided, single submitter. Criteria: Invitae Variant Classification Sherloc (09022015). Collection method: clinical testing. Allele origin: germline.
Comment: This sequence change creates a premature translational stop signal (p.Val3677*) in the DNAH5 gene. It is expected to result in an absent or disrupted protein product. Loss-of-function variants in DNAH5 are known to be pathogenic (PMID: 11788826, 16627867). For these reasons, this variant has been classified as Pathogenic. Algorithms developed to predict the effect of sequence changes on RNA splicing suggest that this variant may disrupt the consensus splice site. This variant has not been reported in the literature in individuals affected with DNAH5-related conditions. This variant is not present in population databases (gnomAD no frequency).

Literature cited by the submitters: PubMed 11788826; PubMed 16627867.

NM_001369.3(DNAH5):c.11028+1del

Gene: DNAH5 (dynein axonemal heavy chain 5; minus strand). Cytogenetic location: 5p15.2.
Variant type: Deletion.
Coding change: c.11028+1del on transcript NM_001369.3 (MANE Select); the canonical splice donor site of the intron after coding-DNA position 11028, one base deleted (G; older notation c.11028+1delG).
Molecular consequence: splice donor variant.
Genome position (GRCh38, 1-based): chr5:13,752,133, C deleted on the plus strand (G on the coding strand, the reverse complement: DNAH5 is on the minus strand); the first of 2 consecutive C bases (chr5:13,752,133-13,752,134); deleting either gives the same sequence. VCF-style (leftmost placement, unchanged base first): chr5-13752132-AC-A. GRCh37 (hg19) VCF-style: chr5-13752241-AC-A.
Identifiers: ClinVar variation 2088385 (VCV002088385.4), dbSNP rs2546611390, ClinGen allele CA2580072138.